The following is an entry in ClinVar:

NM_005334.3(HCFC1):c.4181C>T (p.Ala1394Val)

Gene: HCFC1 (host cell factor C1; minus strand). Cytogenetic location: Xq28.
Variant type: single nucleotide variant.
Coding change: c.4181C>T on transcript NM_005334.3 (MANE Select); coding-DNA position 4181, C replaced by T.
Protein change: p.Ala1394Val; replaces alanine 1394 with valine.
Molecular consequence: missense variant.
Genome position (GRCh38, 1-based): chrX:153,954,218, G>A on the plus strand (C>T on the coding strand, the complement: HCFC1 is on the minus strand). VCF-style: chrX-153954218-G-A. GRCh37 (hg19) VCF-style: chrX-153219669-G-A.
Other names: c.4181C>T, p.Ala1394Val (NM_001410705.1, NM_001440843.1, NM_001440844.1 and 5 more transcripts); c.3983C>T, p.Ala1328Val (NM_001440850.1, NM_001440851.1); short protein forms A1394V, A1328V.
Identifiers: ClinVar variation 4981439 (VCV004981439.1).

ClinVar aggregate classification (germline): Uncertain significance (1 of 4 stars; one submission).

Conditions:
HCFC1-related disorder. Also called: HCFC1-related condition.

Submission:

PreventionGenetics, part of Exact Sciences
Classification: Uncertain significance for HCFC1-related condition. Last evaluated: 2024-10-16. Review status: criteria provided, single submitter. Criteria: ACMG Guidelines, 2015. Collection method: clinical testing. Allele origin: germline.
Comment: The HCFC1 c.4181C>T variant is predicted to result in the amino acid substitution p.Ala1394Val. To our knowledge, this variant has not been reported in the literature. This variant is reported in 0.0037% of alleles in individuals of Latino descent in gnomAD. At this time, the clinical significance of this variant is uncertain due to the absence of conclusive functional and genetic evidence.